The following is an entry in ClinVar:

NM_000219.6(KCNE1):c.204C>A (p.Ser68=)

Gene: KCNE1 (potassium voltage-gated channel subfamily E regulatory subunit 1; minus strand). Cytogenetic location: 21q22.12.
Variant type: single nucleotide variant.
Coding change: c.204C>A on transcript NM_000219.6 (MANE Select); coding-DNA position 204, C replaced by A.
Protein change: p.Ser68=; no amino-acid change (serine 68 retained).
Molecular consequence: synonymous variant.
Genome position (GRCh38, 1-based): chr21:34,449,431, G>T on the plus strand (C>A on the coding strand, the complement: KCNE1 is on the minus strand). VCF-style: chr21-34449431-G-T. GRCh37 (hg19) VCF-style: chr21-35821729-G-T.
Other names: c.204C>A, p.Ser68= (NM_001127668.4, NM_001127669.4, NM_001127670.4 and 4 more transcripts).
Identifiers: ClinVar variation 3374322 (VCV003374322.2).

Conditions:
Long QT syndrome 5 (LQT5). Identifiers: Orphanet 101016, Orphanet 768, MedGen C1867904, MONDO:0013372, OMIM 613695.

Submission:

Roden Lab, Vanderbilt University Medical Center
No classification provided (evidence only). Condition: Long QT syndrome 5. Review status: no classification provided. Collection method: in vitro. Allele origin: not applicable. Functional consequence: Effect on ion channel function.
ClinVar note: "not provided" was previously submitted as the classification for the variant. However, the classification appeared to be based only on an observation of functional data so it was converted to no classification on 2025-07-30.